The following is an entry in ClinVar:

ClinVar aggregate classification (germline): Uncertain significance. Review status: criteria provided, multiple submitters, no conflicts (2 of 4 stars). 4 submissions from 4 submitters: Uncertain significance (4). Last evaluated 2025-10-28.

Conditions:
Hereditary cancer-predisposing syndrome. Also called: Hereditary Cancer Syndrome; Neoplastic Syndromes, Hereditary; Tumor predisposition; Hereditary neoplastic syndrome. Identifiers: Orphanet 140162, MedGen C0027672, MeSH D009386, MONDO:0015356.
Familial adenomatous polyposis 1 (FAP1). Also called: POLYPOSIS, ADENOMATOUS INTESTINAL; FAMILIAL ADENOMATOUS POLYPOSIS 1, ATTENUATED. Identifiers: MedGen C2713442, MONDO:0021056, OMIM 175100. Disease mechanism: loss of function.

Allele frequency attached by ClinVar (database versions not stated): gnomAD exomes below 0.00001.
gnomAD v4.1: 2 of 1,614,118 alleles (0.00012%); highest among the groups gnomAD compares: Middle Eastern, 0.016%; no homozygotes.

Submissions (4):

Ambry Genetics
Classification: Uncertain significance for Hereditary cancer-predisposing syndrome. Last evaluated: 2025-10-28. Review status: criteria provided, single submitter. Criteria: Ambry Variant Classification Scheme 2023. Collection method: clinical testing. Allele origin: germline.
Comment: The p.E1538Q variant (also known as c.4612G>C), located in coding exon 15 of the APC gene, results from a G to C substitution at nucleotide position 4612. The glutamic acid at codon 1538 is replaced by glutamine, an amino acid with highly similar properties. This amino acid position is conserved. In addition, in silico predictors for this gene do not accurately predict pathogenicity. Since supporting evidence is limited at this time, the clinical significance of this alteration remains unclear.

Labcorp Genetics (formerly Invitae), Labcorp
Classification: Uncertain significance for Familial adenomatous polyposis 1. Last evaluated: 2025-09-27. Review status: criteria provided, single submitter. Criteria: Invitae Variant Classification Sherloc (09022015). Collection method: clinical testing. Allele origin: germline.
Comment: This sequence change replaces glutamic acid, which is acidic and polar, with glutamine, which is neutral and polar, at codon 1538 of the APC protein (p.Glu1538Gln). This variant is not present in population databases (gnomAD no frequency). This variant has not been reported in the literature in individuals affected with APC-related conditions. ClinVar contains an entry for this variant (Variation ID: 490279). Invitae Evidence Modeling of protein sequence and biophysical properties (such as structural, functional, and spatial information, amino acid conservation, physicochemical variation, residue mobility, and thermodynamic stability) indicates that this missense variant is not expected to disrupt APC protein function with a negative predictive value of 95%. In summary, the available evidence is currently insufficient to determine the role of this variant in disease. Therefore, it has been classified as a Variant of Uncertain Significance.

Color Diagnostics, LLC DBA Color Health
Classification: Uncertain significance for Hereditary cancer-predisposing syndrome. Last evaluated: 2023-12-05. Review status: criteria provided, single submitter. Criteria: ACMG Guidelines, 2015. Collection method: clinical testing. Allele origin: germline.
Comment: This missense variant replaces glutamic acid with glutamine at codon 1538 of the APC protein. Computational prediction suggests that this variant may not impact protein structure and function (internally defined REVEL score threshold <= 0.5, PMID: 27666373). To our knowledge, functional studies have not been reported for this variant. This variant has not been reported in individuals affected with APC-related disorders in the literature. This variant has not been identified in the general population by the Genome Aggregation Database (gnomAD). The available evidence is insufficient to determine the role of this variant in disease conclusively. Therefore, this variant is classified as a Variant of Uncertain Significance.

Baylor Genetics
Classification: Uncertain significance for Familial adenomatous polyposis 1. Last evaluated: 2023-11-18. Review status: criteria provided, single submitter. Criteria: ACMG Guidelines, 2015. Collection method: clinical testing. Allele origin: unknown.

NM_000038.6(APC):c.4612G>C (p.Glu1538Gln)

Gene: APC (APC regulator of Wnt signaling pathway; plus strand). Cytogenetic location: 5q22.2.
Variant type: single nucleotide variant.
Coding change: c.4612G>C on transcript NM_000038.6 (MANE Select); coding-DNA position 4612, G replaced by C.
Protein change: p.Glu1538Gln; replaces glutamic acid 1538 with glutamine.
Molecular consequence: missense variant.
Genome position (GRCh38, 1-based): chr5:112,840,206, G>C. VCF-style: chr5-112840206-G-C. GRCh37 (hg19) VCF-style: chr5-112175903-G-C.
Other names: c.4612G>C, p.Glu1538Gln (NM_001127510.3, NM_001354895.2); c.4558G>C, p.Glu1520Gln (NM_001127511.3); c.4666G>C, p.Glu1556Gln (NM_001354896.2); c.4642G>C, p.Glu1548Gln (NM_001354897.2); c.4537G>C, p.Glu1513Gln (NM_001354898.2); c.4528G>C, p.Glu1510Gln (NM_001354899.2); c.4489G>C, p.Glu1497Gln (NM_001354900.2); c.4435G>C, p.Glu1479Gln (NM_001354901.2); and 5 more; short protein forms E1520Q, E1538Q, E1437Q, E1479Q, E1513Q, E1548Q, E1378Q, E1510Q.
Identifiers: ClinVar variation 490279 (VCV000490279.15), dbSNP rs1554086003, ClinGen allele CA16031434.
Genomic context (GRCh38, chr5:112,840,206, plus strand): 5'-AAAGATGTGGAATTAAGAATAATGCCTCCAGTTCAGGAAAATGACAATGGGAATGAAACA[G>C]AATCAGAGCAGCCTAAAGAATCAAATGAAAACCAAGAGAAAGAGGCAGAAAAAACTATTG-3'
Protein context (NP_000029.2, residues 1528-1548): VQENDNGNET[Glu1538Gln]SEQPKESNEN